The following is an entry in ClinVar:

NM_001365951.3(KIF1B):c.686A>C (p.Lys229Thr)

Gene: KIF1B (kinesin family member 1B; plus strand). Cytogenetic location: 1p36.22.
Variant type: single nucleotide variant.
Coding change: c.686A>C on transcript NM_001365951.3 (MANE Select); coding-DNA position 686, A replaced by C.
Protein change: p.Lys229Thr; replaces lysine 229 with threonine.
Molecular consequence: missense variant.
Genome position (GRCh38, 1-based): chr1:10,268,229, A>C. VCF-style: chr1-10268229-A-C. GRCh37 (hg19) VCF-style: chr1-10328287-A-C.
Other names: c.686A>C, p.Lys229Thr (NM_001365952.1, NM_001365953.1, NM_015074.3 and 1 more transcripts); short protein forms K229T.
Identifiers: ClinVar variation 3226550 (VCV003226550.1), dbSNP rs2521053462, ClinGen allele CA338330540.
Genomic context (GRCh38, chr1:10,268,229, plus strand): 5'-ACATGAATGAAACAAGTAGCCGTTCCCACGCTGTGTTTACGATTGTTTTCACCCAGAAGA[A>C]ACACGATAATGAGACCAACCTTTCCACTGAGAAGGTAGGAGAGTTTCAGTCTCTAGGCTT-3'
Protein context (NP_001352880.1, residues 219-239): AVFTIVFTQK[Lys229Thr]HDNETNLSTE

ClinVar aggregate classification (germline): Uncertain significance (1 of 4 stars; one submission).

Submission:

Ambry Genetics
Classification: Uncertain significance. Last evaluated: 2023-11-01. Review status: criteria provided, single submitter. Criteria: Ambry Variant Classification Scheme 2023. Collection method: clinical testing. Allele origin: germline.
Comment: The p.K229T variant (also known as c.686A>C), located in coding exon 6 of the KIF1B gene, results from an A to C substitution at nucleotide position 686. The lysine at codon 229 is replaced by threonine, an amino acid with similar properties. This amino acid position is conserved. In addition, this alteration is predicted to be tolerated by in silico analysis. Since supporting evidence is limited at this time, the clinical significance of this alteration remains unclear.